The following is an entry in ClinVar:

ClinVar aggregate classification (germline): Uncertain significance (1 of 4 stars; one submission).

Conditions:
Hereditary cancer-predisposing syndrome. Also called: Neoplastic Syndromes, Hereditary; Tumor predisposition; Hereditary neoplastic syndrome; Hereditary Cancer Syndrome. Identifiers: Orphanet 140162, MedGen C0027672, MeSH D009386, MONDO:0015356.

Submission:

Ambry Genetics
Classification: Uncertain significance for Hereditary cancer-predisposing syndrome. Last evaluated: 2026-08-28. Review status: criteria provided, single submitter. Criteria: Ambry Variant Classification Scheme 2023. Collection method: clinical testing. Allele origin: germline.
Comment: The p.G63R variant (also known as c.187G>A), located in coding exon 1 of the GREM1 gene, results from a G to A substitution at nucleotide position 187. The glycine at codon 63 is replaced by arginine, an amino acid with dissimilar properties. This amino acid position is conserved. In addition, this alteration is predicted to be tolerated by in silico analysis. Based on the available evidence, the clinical significance of this variant remains unclear.

NM_013372.7(GREM1):c.187G>A (p.Gly63Arg)

Gene: GREM1 (gremlin 1, DAN family BMP antagonist; plus strand). Cytogenetic location: 15q13.3.
Variant type: single nucleotide variant.
Coding change: c.187G>A on transcript NM_013372.7 (MANE Select); coding-DNA position 187, G replaced by A.
Protein change: p.Gly63Arg; replaces glycine 63 with arginine.
Molecular consequence: missense variant. On other transcripts: intron variant (2).
Genome position (GRCh38, 1-based): chr15:32,730,877, G>A. VCF-style: chr15-32730877-G-A. GRCh37 (hg19) VCF-style: chr15-33023078-G-A.
Other names: c.187G>A, p.Gly63Arg (NM_001368719.1); c.115-51G>A (NM_001191323.2); c.28-51G>A (NM_001191322.2); short protein forms G63R.
Identifiers: ClinVar variation 5022518 (VCV005022518.1).